The following is an entry in ClinVar:

ClinVar aggregate classification (germline): Pathogenic (1 of 4 stars; one submission).

Submission:

GeneDx
Classification: Pathogenic. Last evaluated: 2017-08-30. Review status: criteria provided, single submitter. Criteria: GeneDx Variant Classification (06012015). Collection method: clinical testing. Allele origin: germline. Affected: yes.
Comment: The c.344_345delAT variant in the MYO6 gene has not been reported previously as a pathogenic variant nor as a benign variant, to our knowledge. The c.344_345delAT variant causes a frameshift starting with codon Tyrosine 115, changes this amino acid to a Serine residue, and creates a premature Stop codon at position 17 of the new reading frame, denoted p.Tyr115SerfsX17. This variant is predicted to cause loss of normal protein function either through protein truncation or nonsense-mediated mRNA decay. The c.344_345delAT variant is not observed in large population cohorts (Lek et al., 2016; 1000 Genomes Consortium et al., 2015; Exome Variant Server). We interpret c.344_345delAT as a pathogenic variant.

NM_004999.4(MYO6):c.344_345del (p.Tyr115fs)

Gene: MYO6 (myosin VI; plus strand). Cytogenetic location: 6q14.1.
Variant type: Microsatellite.
Coding change: c.344_345del on transcript NM_004999.4 (MANE Select); coding-DNA positions 344 to 345, 2 bases deleted (AT; older notation c.344_345delAT).
Protein change: p.Tyr115fs; shifts the reading frame from tyrosine 115.
Molecular consequence: frameshift variant. On other transcripts: non-coding transcript variant (2).
Genome position (GRCh38, 1-based): chr6:75,830,498-75,830,499, AT deleted; deleting any 2 consecutive bases within chr6:75,830,496-75,830,499 gives the same sequence; the c. name uses the placement nearest the transcript's 3' end. VCF-style (leftmost placement, unchanged base first): chr6-75830495-CAT-C. GRCh37 (hg19) VCF-style: chr6-76540212-CAT-C.
Other names: c.344_345del, p.Tyr115fs (NM_001300899.2, NM_001368136.1, NM_001368137.1 and 5 more transcripts); short protein forms Y115fs.
Identifiers: ClinVar variation 451624 (VCV000451624.2), dbSNP rs1554204415, ClinGen allele CA658657604.